The following is an entry in ClinVar:

ClinVar aggregate classification (germline): Uncertain significance (1 of 4 stars; one submission).

Submission:

Dasa
Classification: Uncertain significance. Last evaluated: 2026-02-02. Review status: criteria provided, single submitter. Criteria: DASA Assertion Criteria. Collection method: clinical testing. Allele origin: germline.
Comment: NM_001005498.4(RHBDF2):c.-175A>T is an intronic variant. This variant is rare in population databases. Computational prediction algorithms are consistent with a deleterious effect. The currently available literature and clinical evidence are not sufficient to establish a definitive association between this variant and the reported condition. Therefore, this variant is classified as a variant of uncertain significance.

NM_001005498.4(RHBDF2):c.-175A>T

Gene: RHBDF2 (rhomboid 5 homolog 2; minus strand). Cytogenetic location: 17q25.1.
Variant type: single nucleotide variant.
Coding change: c.-175A>T on transcript NM_001005498.4 (MANE Select); 175 bases upstream of the start codon, A replaced by T.
Molecular consequence: 5 prime UTR variant. On other transcripts: non-coding transcript variant (1).
Genome position (GRCh38, 1-based): chr17:76,487,865, T>A on the plus strand (A>T on the coding strand, the complement: RHBDF2 is on the minus strand). VCF-style: chr17-76487865-T-A. GRCh37 (hg19) VCF-style: chr17-74483947-T-A.
Other names: c.-387A>T (NM_001376230.1); c.-175A>T (NM_024599.5, NM_001376229.1, NM_001376228.1).
Identifiers: ClinVar variation 4885964 (VCV004885964.2).